The following is an entry in ClinVar:

ClinVar aggregate classification (germline): other (0 of 4 stars; one submission).

Conditions:
Familial colorectal cancer. Identifiers: MedGen CN280943, MONDO:0023113. Disease mechanism: loss of function.

Submission:

Systems Biology Platform Zhejiang California International NanoSystems Institute
Classification: other for Familial colorectal cancer. Review status: no assertion criteria provided. Collection method: not provided. Allele origin: unknown.
ClinVar note: Converted during submission from cancer to other.

NM_000038.6(APC):c.646-4308T>G

Gene: APC (APC regulator of WNT signaling pathway; plus strand). Cytogenetic location: 5q22.2.
Variant type: single nucleotide variant.
Coding change: c.646-4308T>G on transcript NM_000038.6 (MANE Select); 4308 bases into the intron before coding-DNA position 646, T replaced by G.
Molecular consequence: intron variant.
Genome position (GRCh38, 1-based): chr5:112,788,138, T>G. VCF-style: chr5-112788138-T-G. GRCh37 (hg19) VCF-style: chr5-112123835-T-G.
Other names: c.646-4308T>G (NM_001354895.2, NM_001127510.3, NM_001354896.2 and 1 more transcripts); c.676-4308T>G (NM_001354897.2, NM_001354902.2); c.675+7235T>G (NM_001127511.3); c.571-4308T>G (NM_001354898.2, NM_001354904.2); c.-390-4308T>G (NM_001354906.2); c.645+7235T>G (NM_001354899.2); c.469-4308T>G (NM_001354900.2, NM_001354901.2, NM_001354905.2).
Identifiers: ClinVar variation 82464 (VCV000082464.2), dbSNP rs80013682, ClinGen allele CA011942.